The following is an entry in ClinVar:

NM_000044.6(AR):c.2126G>A (p.Gly709Glu)

Gene: AR (androgen receptor; plus strand). Cytogenetic location: Xq12.
Variant type: single nucleotide variant.
Coding change: c.2126G>A on transcript NM_000044.6 (MANE Select); coding-DNA position 2126, G replaced by A.
Protein change: p.Gly709Glu; replaces glycine 709 with glutamic acid.
Molecular consequence: missense variant.
Genome position (GRCh38, 1-based): chrX:67,711,642, G>A. VCF-style: chrX-67711642-G-A. GRCh37 (hg19) VCF-style: chrX-66931484-G-A.
Other names: c.530G>A, p.Gly177Glu (NM_001011645.3); short protein forms G177E, G709E.
Identifiers: ClinVar variation 1344487 (VCV001344487.1), dbSNP rs2147525149, ClinGen allele CA413423469.
Genomic context (GRCh38, chrX:67,711,642, plus strand): 5'-GACACGACAACAACCAGCCCGACTCCTTTGCAGCCTTGCTCTCTAGCCTCAATGAACTGG[G>A]AGAGAGACAGCTTGTACACGTGGTCAAGTGGGCCAAGGCCTTGCCTGGTAAGGAAAAGGG-3'
Protein context (NP_000035.2, residues 699-719): AALLSSLNEL[Gly709Glu]ERQLVHVVKW

ClinVar aggregate classification (germline): Pathogenic (1 of 4 stars; one submission).

Conditions:
Androgen resistance syndrome (AIS). Also called: Androgen insensitivity, complete; ANDROGEN RECEPTOR DEFICIENCY; DIHYDROTESTOSTERONE RECEPTOR DEFICIENCY; Androgen insensitivity syndrome due to coactivator deficiency; Androgen insensitivity; TESTICULAR FEMINIZATION SYNDROME. Identifiers: Orphanet 754, Orphanet 99429, MedGen C0039585, MONDO:0019154, OMIM 300068. Disease mechanism: loss of function.

Submission:

Seattle Children's Hospital Molecular Genetics Laboratory, Seattle Children's Hospital
Classification: Pathogenic for Androgen resistance syndrome. Last evaluated: 2020-03-25. Review status: criteria provided, single submitter. Criteria: ACMG Guidelines, 2015. Collection method: clinical testing. Allele origin: unknown. Inheritance: Autosomal dominant inheritance. Affected: yes.
Comment: The AR p.Gly709Glu variant replaces the glycine at position 709 with glutamic acid. This variant has been reported in the literature as a pathogenic change in an individual with complete androgen insensitivity (PMID: 20671138). This variant has not been observed in the Genome Aggregation Database (0 of approx. 178,000 alleles; v2.1). Further supporting pathogenicity, different missense changes at the same residue (p.Gly709Ala, p.Gly709Val, p.Gly709Arg) have also been reported as pathogenic in individuals with androgen insensitivity syndrome (complete, partial, and mild AIS) (PMID: 10840043, PMID: 22334387, PMID: 7981687).

Literature cited by the submitters: PubMed 20671138; PubMed 10840043; PubMed 22334387; PubMed 7981687.